The following is an entry in ClinVar:

ClinVar aggregate classification (germline): Uncertain significance (1 of 4 stars; one submission).

Conditions:
Pheochromocytoma. Also called: MAX-Related Hereditary Paraganglioma-Pheochromocytoma Syndrome. Identifiers: Orphanet 29072, MedGen C0031511, MONDO:0008233, OMIM 171300, HP:0002666.
Pheochromocytoma/paraganglioma syndrome 4. Also called: CAROTID BODY TUMORS AND MULTIPLE EXTRAADRENAL PHEOCHROMOCYTOMAS; SDHB-Related Hereditary Paraganglioma-Pheochromocytoma Syndrome (Paragangliomas 4); SDHB-Related Hereditary Paraganglioma-Pheochromocytoma Syndrome; PARAGANGLIOMA, FAMILIAL MALIGNANT; PARAGANGLIOMAS, HEREDITARY EXTRAADRENAL; PHEOCHROMOCYTOMA, FAMILIAL EXTRAADRENAL. Identifiers: Orphanet 29072, MedGen C1861848, MONDO:0007273, OMIM 115310.
Gastrointestinal stromal tumor. Also called: Gastrointestinal stroma tumor; Gastrointestinal stromal tumor, somatic. Identifiers: Orphanet 44890, MedGen C0238198, MeSH D046152, MONDO:0011719, OMIM 606764, HP:0100723.

Submission:

Labcorp Genetics (formerly Invitae), Labcorp
Classification: Uncertain significance for Gastrointestinal stromal tumor; Pheochromocytoma/paraganglioma syndrome 4; Pheochromocytoma. Last evaluated: 2022-05-08. Review status: criteria provided, single submitter. Criteria: Invitae Variant Classification Sherloc (09022015). Collection method: clinical testing. Allele origin: germline.
Comment: In summary, the available evidence is currently insufficient to determine the role of this variant in disease. Therefore, it has been classified as a Variant of Uncertain Significance. Advanced modeling of protein sequence and biophysical properties (such as structural, functional, and spatial information, amino acid conservation, physicochemical variation, residue mobility, and thermodynamic stability) performed at Invitae indicates that this missense variant is not expected to disrupt SDHB protein function. This variant has not been reported in the literature in individuals affected with SDHB-related conditions. This variant is not present in population databases (gnomAD no frequency). This sequence change replaces leucine, which is neutral and non-polar, with methionine, which is neutral and non-polar, at codon 9 of the SDHB protein (p.Leu9Met).

NM_003000.3(SDHB):c.25T>A (p.Leu9Met)

Gene: SDHB (succinate dehydrogenase complex iron sulfur subunit B; minus strand). Cytogenetic location: 1p36.13.
Variant type: single nucleotide variant.
Coding change: c.25T>A on transcript NM_003000.3 (MANE Select); coding-DNA position 25, T replaced by A.
Protein change: p.Leu9Met; replaces leucine 9 with methionine.
Molecular consequence: missense variant.
Genome position (GRCh38, 1-based): chr1:17,053,995, A>T on the plus strand (T>A on the coding strand, the complement: SDHB is on the minus strand). VCF-style: chr1-17053995-A-T. GRCh37 (hg19) VCF-style: chr1-17380490-A-T.
Other names: c.25T>A, p.Leu9Met (NM_001407361.1); short protein forms L9M.
Identifiers: ClinVar variation 2135324 (VCV002135324.4), dbSNP rs1060503768, ClinGen allele CA338230842.